The following is an entry in ClinVar:

NM_007194.4(CHEK2):c.1581C>T (p.Ala527=)

Gene: CHEK2 (checkpoint kinase 2; minus strand). Cytogenetic location: 22q12.1.
Variant type: single nucleotide variant.
Coding change: c.1581C>T on transcript NM_007194.4 (MANE Select); coding-DNA position 1581, C replaced by T.
Protein change: p.Ala527=; no amino-acid change (alanine 527 retained).
Molecular consequence: synonymous variant.
Genome position (GRCh38, 1-based): chr22:28,687,948, G>A on the plus strand (C>T on the coding strand, the complement: CHEK2 is on the minus strand). VCF-style: chr22-28687948-G-A. GRCh37 (hg19) VCF-style: chr22-29083936-G-A.
Other names: c.1710C>T, p.Ala570= (NM_001005735.3); c.918C>T, p.Ala306= (NM_001257387.3); c.1380C>T, p.Ala460= (NM_001349956.3); c.1494C>T, p.Ala498= (NM_145862.3).
Identifiers: ClinVar variation 184093 (VCV000184093.25), dbSNP rs781593101, ClinGen allele CA187761.

ClinVar aggregate classification (germline): Benign/Likely benign. Review status: criteria provided, multiple submitters, no conflicts (2 of 4 stars). 9 submissions from 9 submitters: Benign (1); Likely benign (8). Last evaluated 2025-05-26.

Conditions:
Hereditary cancer-predisposing syndrome. Also called: Tumor predisposition; Neoplastic Syndromes, Hereditary; Hereditary neoplastic syndrome; Hereditary Cancer Syndrome. Identifiers: Orphanet 140162, MedGen C0027672, MeSH D009386, MONDO:0015356.
CHEK2-related cancer predisposition (TPDS4). Also called: TUMOR PREDISPOSITION SYNDROME 4; CANCER PREDISPOSITION SYNDROME, CHEK2-RELATED; CHEK2-related cancer susceptibility. Identifiers: Orphanet 524, MedGen C5882668, MONDO:0700271, OMIM 609265.
Familial cancer of breast. Also called: hereditary breast carcinoma; BREAST CANCER, FAMILIAL; Hereditary breast cancer. Identifiers: Orphanet 227535, MedGen C0346153, MONDO:0016419, OMIM 114480. Disease mechanism: loss of function.

Allele frequency attached by ClinVar (database versions not stated): gnomAD 0.00003; gnomAD exomes 0.00004; ExAC 0.00008; TOPMed below 0.00001.
gnomAD v4.1: 29 of 1,596,220 alleles (0.0018%); highest among the groups gnomAD compares: Admixed American, 0.005%; no homozygotes.

Submissions (9):

Labcorp Genetics (formerly Invitae), Labcorp
Classification: Likely benign for Familial cancer of breast. Last evaluated: 2025-05-26. Review status: criteria provided, single submitter. Criteria: Invitae Variant Classification Sherloc (09022015). Collection method: clinical testing. Allele origin: germline.

Center for Genomic Medicine, Rigshospitalet, Copenhagen University Hospital
Classification: Likely benign. Last evaluated: 2025-03-04. Review status: criteria provided, single submitter. Criteria: ACMG Guidelines, 2015. Collection method: clinical testing. Allele origin: germline.

Blueprint Genetics
Classification: Likely benign. Last evaluated: 2024-11-19. Review status: criteria provided, single submitter. Criteria: ACMG Guidelines, 2015. Collection method: clinical testing. Allele origin: germline.

Myriad Genetics, Inc.
Classification: Benign for Familial cancer of breast. Last evaluated: 2024-10-08. Review status: criteria provided, single submitter. Criteria: Myriad Autosomal Dominant, Autosomal Recessive and X-Linked Classification Criteria (2023). Collection method: clinical testing. Allele origin: unknown.
Comment: This variant is considered benign. This variant is a silent/synonymous amino acid change and it is not expected to impact splicing.

Department of Pathology and Laboratory Medicine, Sinai Health System
Classification: Likely benign for CHEK2-related cancer predisposition. Last evaluated: 2024-01-26. Review status: criteria provided, single submitter. Criteria: ACMG Guidelines, 2015. Collection method: clinical testing. Allele origin: germline. Affected: yes.

Quest Diagnostics Nichols Institute San Juan Capistrano
Classification: Likely benign. Last evaluated: 2021-05-28. Review status: criteria provided, single submitter. Criteria: Quest Diagnostics criteria. Collection method: clinical testing. Allele origin: unknown.

Color Diagnostics, LLC DBA Color Health
Classification: Likely benign for Hereditary cancer-predisposing syndrome. Last evaluated: 2018-05-29. Review status: criteria provided, single submitter. Criteria: ACMG Guidelines, 2015. Collection method: clinical testing. Allele origin: germline.

Women's Health and Genetics/Laboratory Corporation of America, LabCorp
Classification: Likely benign. Last evaluated: 2018-03-28. Review status: criteria provided, single submitter. Criteria: LabCorp Variant Classification Summary - May 2015. Collection method: clinical testing. Allele origin: germline.
Comment: Variant summary: CHEK2 c.1581C>T alters a non-conserved nucleotide resulting in a synonymous change. 5/5 computational tools predict no significant impact on normal splicing. However, these predictions have yet to be confirmed by functional studies. The variant allele was found at a frequency of 4.2e-05 in 260066 control chromosomes. This frequency is not higher than expected for a pathogenic variant in CHEK2 causing Breast Cancer (4.2e-05 vs 0.00031), allowing no conclusion about variant significance. To our knowledge, no occurrence of c.1581C>T in individuals affected with Breast Cancer and no experimental evidence demonstrating its impact on protein function have been reported. One clinical diagnostic laboratory has submitted clinical-significance assessments for this variant to ClinVar after 2014 without evidence for independent evaluation and classified the variant as likely benign. In addition, Tavor_2011 reports the variant as "Polymorphism" identified in pt with non-Hodgkins lymphoma. Based on the evidence outlined above, the variant was classified as likely benign.

Ambry Genetics
Classification: Likely benign for Hereditary cancer-predisposing syndrome. Last evaluated: 2014-06-30. Review status: criteria provided, single submitter. Criteria: Ambry Variant Classification Scheme 2023. Collection method: clinical testing. Allele origin: germline.

Literature cited by the submitters: PubMed 11699418 (cited by 3 submitters).